The following is an entry in ClinVar:

ClinVar aggregate classification (germline): Pathogenic (1 of 4 stars; one submission).

Submission:

ISCA Site 6
Classification: Pathogenic. Last evaluated: 2011-08-12. Review status: criteria provided, single submitter. Criteria: Kaminsky et al. (Genet Med. 2011). Collection method: clinical testing. Allele origin: de novo, unknown. Affected: yes. Observed: 2 variant alleles.
Comment: Copy number variation identified through the course of routine clinical cytogenomic testing in postnatal populations. Clinical assertions have been curated as described in Kaminsky et al. 2011.

GRCh38/hg38 22q11.21(chr22:18167908-21101267)x3

Genes: AIFM3 (AIF family member 3; plus strand), ARVCF (ARVCF delta catenin family member; minus strand), C22orf39 (chromosome 22 open reading frame 39; minus strand), CCDC188 (coiled-coil domain containing 188; minus strand), CDC45 (cell division cycle 45; plus strand) and 187 more. Cytogenetic location: 22q11.21.
Variant type: copy number gain.
Change: copy number 3 (three copies instead of two) of chr22:18,167,908-21,101,267 (2.93 Mb, GRCh38 coordinates, 1-based), cytogenetic band 22q11.21.
Identifiers: ClinVar variation 57555 (VCV000057555.2).